The following is an entry in ClinVar:

ClinVar aggregate classification (germline): Uncertain significance. Review status: criteria provided, single submitter (1 of 4 stars). 2 submissions from 2 submitters: Uncertain significance (1). 1 of the submissions does not count toward it. Last evaluated 2023-10-13.

Conditions:
Hereditary cancer-predisposing syndrome. Also called: Neoplastic Syndromes, Hereditary; Tumor predisposition; Hereditary neoplastic syndrome; Hereditary Cancer Syndrome. Identifiers: Orphanet 140162, MedGen C0027672, MeSH D009386, MONDO:0015356.

Submissions (2):

Labcorp Genetics (formerly Invitae), Labcorp
Classification: Uncertain significance. Last evaluated: 2023-10-13. Review status: criteria provided, single submitter. Criteria: Invitae Variant Classification Sherloc (09022015). Collection method: clinical testing. Allele origin: germline.
Comment: This sequence change replaces tryptophan, which is neutral and slightly polar, with cysteine, which is neutral and slightly polar, at codon 534 of the ATR protein (p.Trp534Cys). This variant is not present in population databases (gnomAD no frequency). This missense change has been observed in individual(s) with breast cancer (PMID: 33558524). ClinVar contains an entry for this variant (Variation ID: 689656). An algorithm developed to predict the effect of missense changes on protein structure and function (PolyPhen-2) suggests that this variant is likely to be disruptive. In summary, the available evidence is currently insufficient to determine the role of this variant in disease. Therefore, it has been classified as a Variant of Uncertain Significance.

Center of Medical Genetics and Primary Health Care
Classification: Uncertain significance for Hereditary cancer predisposing syndrome. Last evaluated: 2020-04-08. Review status: no assertion criteria provided. Collection method: research. Allele origin: germline. Affected: yes. Observed: 1 heterozygote. Not counted in ClinVar's aggregate classification.
Comment: ACMG Guidelines 2015 criteria This variant is in exon 7 of ATR gene in a non-functional domain. This variant is not found in GnomAD exomes neither in GnomAD genomes (PM2 Pathogenic Moderate). 6 pathogenic predictions from DANN, EIGEN, FATHMM-MKL, MutationAssessor, MutationTaster and SIFT versus 5 benign predictions from DEOGEN2, M- CAP, MVP, PrimateAI and REVEL support its deleterious effect (PP3 Pathogenic Supporting). However, only 4 missense variants in ATR gene located even far from this variant are pathogenic or likely pathogenic (BP1 Benign Supporting). Although the ATR gene plays a significant role in DNA damage repair, there were no reports of this variant in the literature. Based on the available data, we classified this variant as a Variant of Uncertain Significance.

Literature cited by the submitters: PubMed 33558524 (cited by Labcorp Genetics (formerly Invitae), Labcorp).

NM_001184.4(ATR):c.1602G>C (p.Trp534Cys)

Gene: ATR (ATR checkpoint kinase; minus strand). Cytogenetic location: 3q23.
Variant type: single nucleotide variant.
Coding change: c.1602G>C on transcript NM_001184.4 (MANE Select); coding-DNA position 1602, G replaced by C.
Protein change: p.Trp534Cys; replaces tryptophan 534 with cysteine.
Molecular consequence: missense variant.
Genome position (GRCh38, 1-based): chr3:142,559,381, C>G on the plus strand (G>C on the coding strand, the complement: ATR is on the minus strand). VCF-style: chr3-142559381-C-G. GRCh37 (hg19) VCF-style: chr3-142278223-C-G.
Other names: c.1410G>C, p.Trp470Cys (NM_001354579.2); short protein forms W470C, W534C.
Identifiers: ClinVar variation 689656 (VCV000689656.9), dbSNP rs1577697163, ClinGen allele CA354822349.